The following is an entry in ClinVar:

NM_006901.4(MYO9A):c.3470+10A>G

Gene: MYO9A (myosin IXA; minus strand). Cytogenetic location: 15q23.
Variant type: single nucleotide variant.
Coding change: c.3470+10A>G on transcript NM_006901.4 (MANE Select); 10 bases into the intron after coding-DNA position 3470, A replaced by G.
Molecular consequence: intron variant.
Genome position (GRCh38, 1-based): chr15:71,899,677, T>C on the plus strand (A>G on the coding strand, the complement: MYO9A is on the minus strand). VCF-style: chr15-71899677-T-C. GRCh37 (hg19) VCF-style: chr15-72192018-T-C.
Identifiers: ClinVar variation 3051543 (VCV003051543.2), dbSNP rs1287140422, ClinGen allele CA618960849.

ClinVar aggregate classification (germline): Likely benign (0 of 4 stars; one submission).

Conditions:
MYO9A-related disorder. Also called: MYO9A-related condition.

Allele frequency attached by ClinVar (database versions not stated): TOPMed below 0.00001; gnomAD 0.00001; gnomAD exomes 0.00001.
gnomAD v4.1: 18 of 1,599,946 alleles (0.0011%); highest among the groups gnomAD compares: Middle Eastern, 0.017%; no homozygotes.

Submission:

PreventionGenetics, part of Exact Sciences
Classification: Likely benign for MYO9A-related condition. Last evaluated: 2023-08-01. Review status: no assertion criteria provided. Collection method: clinical testing. Allele origin: germline.
Comment: This variant is classified as likely benign based on ACMG/AMP sequence variant interpretation guidelines (Richards et al. 2015 PMID: 25741868, with internal and published modifications).